The following is an entry in ClinVar:

ClinVar aggregate classification (germline): Pathogenic (1 of 4 stars; one submission).

Conditions:
Hereditary breast ovarian cancer syndrome. Also called: Hereditary breast and ovarian cancer syndrome; Hereditary breast and ovarian cancer; Hereditary breast and ovarian cancer syndrome (HBOC); Breast and ovarian cancer; Hereditary breast and/or ovarian cancer syndrome; BRCA1- and BRCA2-Associated Hereditary Breast and Ovarian Cancer. Identifiers: Orphanet 145, MedGen C0677776, MeSH D061325, MONDO:0003582. Disease mechanism: loss of function.

Submission:

Labcorp Genetics (formerly Invitae), Labcorp
Classification: Pathogenic for Hereditary breast ovarian cancer syndrome. Last evaluated: 2023-10-27. Review status: criteria provided, single submitter. Criteria: Invitae Variant Classification Sherloc (09022015). Collection method: clinical testing. Allele origin: unknown.
Comment: This variant is a gross deletion of the genomic region encompassing exon(s) 3-4 of the BRCA1 gene. This variant would be expected to be in-frame, preserving the integrity of the reading frame. This variant has not been reported in the literature in individuals affected with BRCA1-related conditions. This variant disrupts a region of the BRCA1 protein in which other variant(s) (p.Cys64Tyr) have been determined to be pathogenic (PMID: 15131401, 18489799, 19949876, 22034289, 23397983, 25085752, 30209399). This suggests that this is a clinically significant region of the protein, and that variants that disrupt it are likely to be disease-causing. For these reasons, this variant has been classified as Pathogenic.

Literature cited by the submitters: PubMed 15131401; PubMed 18489799; PubMed 19949876; PubMed 22034289; PubMed 23397983; PubMed 25085752; PubMed 30209399.

NC_000017.10:g.(?_41258453)_(41267816_?)del

Gene: BRCA1 (BRCA1 DNA repair associated; minus strand). Cytogenetic location: 17q21.31.
Variant type: Deletion.
Identifiers: ClinVar variation 3242992 (VCV003242992.1).